The following is an entry in ClinVar:

ClinVar aggregate classification (germline): Benign/Likely benign. Review status: criteria provided, multiple submitters, no conflicts (2 of 4 stars). 2 submissions from 2 submitters: Benign (1); Likely benign (1). Last evaluated 2025-11-02.

Conditions:
RFWD3-related disorder. Also called: RFWD3-related condition.

Allele frequency attached by ClinVar (database versions not stated): 1000 Genomes Project 30x 0.00016; 1000 Genomes Project 0.00020.
gnomAD v4.1: 238 of 1,599,968 alleles (0.015%); highest among the groups gnomAD compares: East Asian, 0.52%; 2 homozygotes.

Submissions (2):

Labcorp Genetics (formerly Invitae), Labcorp
Classification: Benign. Last evaluated: 2025-11-02. Review status: criteria provided, single submitter. Criteria: Invitae Variant Classification Sherloc (09022015). Collection method: clinical testing. Allele origin: germline.

PreventionGenetics, part of Exact Sciences
Classification: Likely benign for RFWD3-related condition. Last evaluated: 2025-06-02. Review status: criteria provided, single submitter. Criteria: ACMG Guidelines, 2015. Collection method: clinical testing. Allele origin: germline.
Comment: This variant is classified as likely benign based on ACMG/AMP sequence variant interpretation guidelines (Richards et al. 2015 PMID: 25741868, with internal and published modifications).

NM_018124.4(RFWD3):c.1080-6C>T

Gene: RFWD3 (ring finger and WD repeat domain 3; minus strand). Cytogenetic location: 16q23.1.
Variant type: single nucleotide variant.
Coding change: c.1080-6C>T on transcript NM_018124.4 (MANE Select); 6 bases into the intron before coding-DNA position 1080, C replaced by T.
Molecular consequence: intron variant.
Genome position (GRCh38, 1-based): chr16:74,637,976, G>A on the plus strand (C>T on the coding strand, the complement: RFWD3 is on the minus strand). VCF-style: chr16-74637976-G-A. GRCh37 (hg19) VCF-style: chr16-74671874-G-A.
Other names: c.1080-6C>T (NM_018124.3, NM_001370534.1, NM_001370536.1 and 1 more transcripts); c.246-6C>T (NM_001370539.1, NM_001370537.1, NM_001370543.1 and 2 more transcripts).
Identifiers: ClinVar variation 2705776 (VCV002705776.4), dbSNP rs191155100, ClinGen allele CA8169327.